The following is an entry in ClinVar:

ClinVar aggregate classification (germline): Uncertain significance (1 of 4 stars; one submission).

Submission:

GeneDx
Classification: Uncertain significance. Last evaluated: 2025-01-14. Review status: criteria provided, single submitter. Criteria: GeneDx Variant Classification Process June 2021. Collection method: clinical testing. Allele origin: germline. Affected: yes.
Comment: Not observed at significant frequency in large population cohorts (gnomAD); In silico analysis indicates that this missense variant does not alter protein structure/function; Has not been previously published as pathogenic or benign to our knowledge

NM_015215.4(CAMTA1):c.1825C>T (p.His609Tyr)

Gene: CAMTA1 (calmodulin binding transcription activator 1; plus strand). Cytogenetic location: 1p36.23.
Variant type: single nucleotide variant.
Coding change: c.1825C>T on transcript NM_015215.4 (MANE Select); coding-DNA position 1825, C replaced by T.
Protein change: p.His609Tyr; replaces histidine 609 with tyrosine.
Molecular consequence: missense variant.
Genome position (GRCh38, 1-based): chr1:7,664,372, C>T. VCF-style: chr1-7664372-C-T. GRCh37 (hg19) VCF-style: chr1-7724432-C-T.
Other names: c.1735C>T, p.His579Tyr (NM_001349608.2, NM_001349612.2); c.1825C>T, p.His609Tyr (NM_001349609.2, NM_001349610.2, NM_001410737.1); c.1753C>T, p.His585Tyr (NM_001410738.1); short protein forms H579Y, H585Y, H609Y.
Identifiers: ClinVar variation 4056902 (VCV004056902.1).